The following is an entry in ClinVar:

NM_006015.6(ARID1A):c.4347C>T (p.Gly1449=)

Gene: ARID1A (AT-rich interaction domain 1A; plus strand). Cytogenetic location: 1p36.11.
Variant type: single nucleotide variant.
Coding change: c.4347C>T on transcript NM_006015.6 (MANE Select); coding-DNA position 4347, C replaced by T.
Protein change: p.Gly1449=; no amino-acid change (glycine 1449 retained).
Molecular consequence: synonymous variant. On other transcripts: intron variant (1).
Genome position (GRCh38, 1-based): chr1:26,774,574, C>T. VCF-style: chr1-26774574-C-T. GRCh37 (hg19) VCF-style: chr1-27101065-C-T.
Other names: c.4102-406C>T (NM_139135.4).
Identifiers: ClinVar variation 2172489 (VCV002172489.20), dbSNP rs140481844, ClinGen allele CA707448.

ClinVar aggregate classification (germline): Benign/Likely benign. Review status: criteria provided, multiple submitters, no conflicts (2 of 4 stars). 4 submissions from 4 submitters: Benign (1); Likely benign (3). Last evaluated 2026-03-24.

Conditions:
ARID1A-related disorder. Also called: ARID1A-related condition.

Allele frequency attached by ClinVar (database versions not stated): ExAC 0.00002; gnomAD exomes 0.00004; ESP Exome Variant Server 0.00008; TOPMed 0.00009; gnomAD 0.00023.
gnomAD v4.1: 89 of 1,614,086 alleles (0.0055%); highest among the groups gnomAD compares: Middle Eastern, 0.066%; 1 homozygote.

Submissions (4):

PreventionGenetics, part of Exact Sciences
Classification: Likely benign for ARID1A-related condition. Last evaluated: 2026-03-24. Review status: criteria provided, single submitter. Criteria: ACMG Guidelines, 2015. Collection method: clinical testing. Allele origin: germline.
Comment: This variant is classified as likely benign based on ACMG/AMP sequence variant interpretation guidelines (Richards et al. 2015 PMID: 25741868, with internal and published modifications).

Labcorp Genetics (formerly Invitae), Labcorp
Classification: Benign. Last evaluated: 2026-01-19. Review status: criteria provided, single submitter. Criteria: Invitae Variant Classification Sherloc (09022015). Collection method: clinical testing. Allele origin: germline.

CeGaT Center for Human Genetics Tuebingen
Classification: Likely benign. Last evaluated: 2024-10-01. Review status: criteria provided, single submitter. Criteria: CeGaT Center For Human Genetics Tuebingen Variant Classification Criteria Version 2. Collection method: clinical testing. Allele origin: germline. Affected: yes. Observed: 1 variant allele.
Comment: ARID1A: BP4, BP7

Blueprint Genetics
Classification: Likely benign. Last evaluated: 2018-10-05. Review status: criteria provided, single submitter. Criteria: ACMG Guidelines, 2015. Collection method: clinical testing. Allele origin: germline.